The following is an entry in ClinVar:

ClinVar aggregate classification (germline): Uncertain significance (1 of 4 stars; one submission).

Conditions:
RNF31-related disorder. Also called: RNF31-related condition.

Submission:

PreventionGenetics, part of Exact Sciences
Classification: Uncertain significance for RNF31-related condition. Last evaluated: 2024-11-09. Review status: criteria provided, single submitter. Criteria: ACMG Guidelines, 2015. Collection method: clinical testing. Allele origin: germline.
Comment: The RNF31 c.1930G>A variant is predicted to result in the amino acid substitution p.Val644Ile. To our knowledge, this variant has not been reported in the literature. This variant is reported in 0.00090% of alleles in individuals of European (Non-Finnish) descent in gnomAD. At this time, the clinical significance of this variant is uncertain due to the absence of conclusive functional and genetic evidence.

NM_017999.5(RNF31):c.1930G>A (p.Val644Ile)

Gene: RNF31 (ring finger protein 31; plus strand). Cytogenetic location: 14q12.
Variant type: single nucleotide variant.
Coding change: c.1930G>A on transcript NM_017999.5 (MANE Select); coding-DNA position 1930, G replaced by A.
Protein change: p.Val644Ile; replaces valine 644 with isoleucine.
Molecular consequence: missense variant.
Genome position (GRCh38, 1-based): chr14:24,151,792, G>A. VCF-style: chr14-24151792-G-A. GRCh37 (hg19) VCF-style: chr14-24621001-G-A.
Other names: c.1477G>A, p.Val493Ile (NM_001310332.2); short protein forms V493I, V644I.
Identifiers: ClinVar variation 4997582 (VCV004997582.1).